The following is an entry in ClinVar:

NM_000275.3(OCA2):c.1785A>T (p.Arg595Ser)

Gene: OCA2 (OCA2 melanosomal transmembrane protein; minus strand). Cytogenetic location: 15q13.1.
Variant type: single nucleotide variant.
Coding change: c.1785A>T on transcript NM_000275.3 (MANE Select); coding-DNA position 1785, A replaced by T.
Protein change: p.Arg595Ser; replaces arginine 595 with serine.
Molecular consequence: missense variant.
Genome position (GRCh38, 1-based): chr15:27,955,215, T>A on the plus strand (A>T on the coding strand, the complement: OCA2 is on the minus strand). VCF-style: chr15-27955215-T-A. GRCh37 (hg19) VCF-style: chr15-28200361-T-A.
Other names: c.1713A>T, p.Arg571Ser (NM_001300984.2); short protein forms R571S, R595S.
Identifiers: ClinVar variation 3716940 (VCV003716940.2).

ClinVar aggregate classification (germline): Uncertain significance (1 of 4 stars; one submission).

gnomAD v4.1: 5 of 1,608,528 alleles (0.00031%); highest among the groups gnomAD compares: African/African-American, 0.0053%; no homozygotes.

Submission:

Labcorp Genetics (formerly Invitae), Labcorp
Classification: Uncertain significance. Last evaluated: 2024-09-18. Review status: criteria provided, single submitter. Criteria: Invitae Variant Classification Sherloc (09022015). Collection method: clinical testing. Allele origin: germline.
Comment: This sequence change replaces arginine, which is basic and polar, with serine, which is neutral and polar, at codon 595 of the OCA2 protein (p.Arg595Ser). This variant is present in population databases (rs141159640, gnomAD 0.008%). This variant has not been reported in the literature in individuals affected with OCA2-related conditions. An algorithm developed to predict the effect of missense changes on protein structure and function (PolyPhen-2) suggests that this variant is likely to be disruptive. In summary, the available evidence is currently insufficient to determine the role of this variant in disease. Therefore, it has been classified as a Variant of Uncertain Significance.